The following is an entry in ClinVar:

ClinVar aggregate classification (germline): Uncertain significance. Review status: criteria provided, multiple submitters, no conflicts (2 of 4 stars). 2 submissions from 2 submitters: Uncertain significance (2). Last evaluated 2024-07-22.

Conditions:
Cardiovascular phenotype. Identifiers: MedGen CN230736.
Hereditary cancer-predisposing syndrome. Also called: Neoplastic Syndromes, Hereditary; Tumor predisposition; Hereditary Cancer Syndrome; Hereditary neoplastic syndrome. Identifiers: Orphanet 140162, MedGen C0027672, MeSH D009386, MONDO:0015356.

Allele frequency attached by ClinVar (database versions not stated): TOPMed below 0.00001.

Submissions (2):

Ambry Genetics
Classification: Uncertain significance for Cardiovascular phenotype; Hereditary cancer-predisposing syndrome. Last evaluated: 2024-07-22. Review status: criteria provided, single submitter. Criteria: Ambry Variant Classification Scheme 2023. Collection method: clinical testing. Allele origin: germline.
Comment: The p.L528R variant (also known as c.1583T>G), located in coding exon 14 of the LZTR1 gene, results from a T to G substitution at nucleotide position 1583. The leucine at codon 528 is replaced by arginine, an amino acid with dissimilar properties. This variant has been reported in an individual with sporadic schwannomatosis, whose tumor demonstrated loss of heterozygosity (LOH) for LZTR1 (Smith MJ et al. Neurology, 2015 Jan;84:141-7). This amino acid position is highly conserved in available vertebrate species. In addition, this alteration is predicted to be deleterious by in silico analysis. Based on the available evidence, the clinical significance of this variant remains unclear.

Labcorp Genetics (formerly Invitae), Labcorp
Classification: Uncertain significance. Last evaluated: 2024-07-15. Review status: criteria provided, single submitter. Criteria: Invitae Variant Classification Sherloc (09022015). Collection method: clinical testing. Allele origin: germline.
Comment: This sequence change replaces leucine, which is neutral and non-polar, with arginine, which is basic and polar, at codon 528 of the LZTR1 protein (p.Leu528Arg). This variant is not present in population databases (gnomAD no frequency). This missense change has been observed in individual(s) with schwannomatosis (PMID: 25480913). ClinVar contains an entry for this variant (Variation ID: 1775759). Advanced modeling of protein sequence and biophysical properties (such as structural, functional, and spatial information, amino acid conservation, physicochemical variation, residue mobility, and thermodynamic stability) performed at Invitae indicates that this missense variant is not expected to disrupt LZTR1 protein function with a negative predictive value of 80%. In summary, the available evidence is currently insufficient to determine the role of this variant in disease. Therefore, it has been classified as a Variant of Uncertain Significance.

Literature cited by the submitters: PubMed 25480913 (cited by Ambry Genetics and Labcorp Genetics (formerly Invitae), Labcorp).

NM_006767.4(LZTR1):c.1583T>G (p.Leu528Arg)

Gene: LZTR1 (leucine zipper like post translational regulator 1; plus strand). Cytogenetic location: 22q11.21.
Variant type: single nucleotide variant.
Coding change: c.1583T>G on transcript NM_006767.4 (MANE Select); coding-DNA position 1583, T replaced by G.
Protein change: p.Leu528Arg; replaces leucine 528 with arginine.
Molecular consequence: missense variant.
Genome position (GRCh38, 1-based): chr22:20,994,237, T>G. VCF-style: chr22-20994237-T-G. GRCh37 (hg19) VCF-style: chr22-21348526-T-G.
Other names: short protein forms L528R.
Identifiers: ClinVar variation 1775759 (VCV001775759.6), dbSNP rs1924724869, ClinGen allele CA410776130.
Genomic context (GRCh38, chr22:20,994,237, plus strand): 5'-TGCTGCACGTGGCCATCCGGGAGGCCGAGGCCCGGCCCTTCGAGGTGCTCATGCAGTTCC[T>G]CTACACCGACAAGATCAAATACCCACGGAAAGGTCCGCCTGGGTGGGGGTGGAGCAGGGT-3'
Protein context (NP_006758.2, residues 518-538): ARPFEVLMQF[Leu528Arg]YTDKIKYPRK